The following is an entry in ClinVar:

ClinVar aggregate classification (germline): Likely benign. Review status: criteria provided, multiple submitters, no conflicts (2 of 4 stars). 2 submissions from 2 submitters: Likely benign (2). Last evaluated 2023-01-25.

Conditions:
Hereditary spastic paraplegia 3A (SPG3A). Also called: SPASTIC PARAPLEGIA 3, AUTOSOMAL DOMINANT; FAMILIAL SPASTIC PARAPLEGIA, AUTOSOMAL DOMINANT, 1; SPG3; STRUMPELL DISEASE; Spastic Paraplegia 3A; Spastic paraplegia 3A, autosomal dominant. Identifiers: Orphanet 100984, MedGen C2931355, MONDO:0008437, OMIM 182600.

Allele frequency attached by ClinVar (database versions not stated): gnomAD exomes below 0.00001.
gnomAD v4.1: 4 of 1,596,912 alleles (0.00025%); highest among the groups gnomAD compares: Middle Eastern, 0.033%; no homozygotes.

Submissions (2):

Labcorp Genetics (formerly Invitae), Labcorp
Classification: Likely benign for Hereditary spastic paraplegia 3A. Last evaluated: 2023-01-25. Review status: criteria provided, single submitter. Criteria: Invitae Variant Classification Sherloc (09022015). Collection method: clinical testing. Allele origin: germline.

GeneDx
Classification: Likely benign. Last evaluated: 2017-08-25. Review status: criteria provided, single submitter. Criteria: GeneDx Variant Classification (06012015). Collection method: clinical testing. Allele origin: germline. Affected: yes.
Comment: This variant is considered likely benign or benign based on one or more of the following criteria: it is a conservative change, it occurs at a poorly conserved position in the protein, it is predicted to be benign by multiple in silico algorithms, and/or has population frequency not consistent with disease.

NM_015915.5(ATL1):c.1676A>G (p.Ter559=)

Gene: ATL1 (atlastin GTPase 1; plus strand). Cytogenetic location: 14q22.1.
Variant type: single nucleotide variant.
Coding change: c.1676A>G on transcript NM_015915.5 (MANE Select); coding-DNA position 1676, A replaced by G.
Protein change: p.Ter559=.
Molecular consequence: synonymous variant.
Genome position (GRCh38, 1-based): chr14:50,632,338, A>G. VCF-style: chr14-50632338-A-G. GRCh37 (hg19) VCF-style: chr14-51099056-A-G.
Other names: c.1661A>G, p.Ter554= (NM_001127713.1, NM_181598.4).
Identifiers: ClinVar variation 511729 (VCV000511729.4), dbSNP rs1442353711, ClinGen allele CA486193597.